The following is an entry in ClinVar:

NM_000465.4(BARD1):c.2137G>T (p.Val713Leu)

Gene: BARD1 (BRCA1 associated RING domain 1; minus strand). Cytogenetic location: 2q35.
Variant type: single nucleotide variant.
Coding change: c.2137G>T on transcript NM_000465.4 (MANE Select); coding-DNA position 2137, G replaced by T.
Protein change: p.Val713Leu; replaces valine 713 with leucine.
Molecular consequence: missense variant. On other transcripts: non-coding transcript variant (3).
Genome position (GRCh38, 1-based): chr2:214,728,873, C>A on the plus strand (G>T on the coding strand, the complement: BARD1 is on the minus strand). VCF-style: chr2-214728873-C-A. GRCh37 (hg19) VCF-style: chr2-215593597-C-A.
Other names: p.V713L:GTG>TTG; c.2080G>T, p.Val694Leu (NM_001282543.2); c.784G>T, p.Val262Leu (NM_001282545.2); c.727G>T, p.Val243Leu (NM_001282548.2); c.598G>T, p.Val200Leu (NM_001282549.2); short protein forms V713L, V262L, V200L, V243L, V694L.
Identifiers: ClinVar variation 182053 (VCV000182053.19), dbSNP rs546077003, ClinGen allele CA298478.

ClinVar aggregate classification (germline): Uncertain significance. Review status: criteria provided, multiple submitters, no conflicts (2 of 4 stars). 4 submissions from 4 submitters: Uncertain significance (4). Last evaluated 2025-10-09.

Conditions:
Hereditary cancer-predisposing syndrome. Also called: Tumor predisposition; Hereditary Cancer Syndrome; Hereditary neoplastic syndrome; Neoplastic Syndromes, Hereditary. Identifiers: Orphanet 140162, MedGen C0027672, MeSH D009386, MONDO:0015356.
Familial cancer of breast. Also called: BREAST CANCER, FAMILIAL; Hereditary breast cancer; hereditary breast carcinoma. Identifiers: Orphanet 227535, MedGen C0346153, MONDO:0016419, OMIM 114480. Disease mechanism: loss of function.

gnomAD v4.1: 2 of 1,614,186 alleles (0.00012%); highest among the groups gnomAD compares: African/African-American, 0.0027%; no homozygotes.

Submissions (4):

Labcorp Genetics (formerly Invitae), Labcorp
Classification: Uncertain significance for Familial cancer of breast. Last evaluated: 2025-10-09. Review status: criteria provided, single submitter. Criteria: Invitae Variant Classification Sherloc (09022015). Collection method: clinical testing. Allele origin: germline.
Comment: This sequence change replaces valine, which is neutral and non-polar, with leucine, which is neutral and non-polar, at codon 713 of the BARD1 protein (p.Val713Leu). This variant is not present in population databases (gnomAD no frequency). This variant has not been reported in the literature in individuals affected with BARD1-related conditions. ClinVar contains an entry for this variant (Variation ID: 182053). An algorithm developed to predict the effect of missense changes on protein structure and function (PolyPhen-2) suggests that this variant is likely to be disruptive. In summary, the available evidence is currently insufficient to determine the role of this variant in disease. Therefore, it has been classified as a Variant of Uncertain Significance.

Ambry Genetics
Classification: Uncertain significance for Hereditary cancer-predisposing syndrome. Last evaluated: 2023-06-26. Review status: criteria provided, single submitter. Criteria: Ambry Variant Classification Scheme 2023. Collection method: clinical testing. Allele origin: germline.
Comment: The p.V713L variant (also known as c.2137G>T), located in coding exon 11 of the BARD1 gene, results from a G to T substitution at nucleotide position 2137. The valine at codon 713 is replaced by leucine, an amino acid with highly similar properties. This amino acid position is highly conserved in available vertebrate species. In addition, the in silico prediction for this alteration is inconclusive. Since supporting evidence is limited at this time, the clinical significance of this alteration remains unclear.

Baylor Genetics
Classification: Uncertain significance for Familial cancer of breast. Last evaluated: 2023-06-23. Review status: criteria provided, single submitter. Criteria: ACMG Guidelines, 2015. Collection method: clinical testing. Allele origin: unknown.

GeneDx
Classification: Uncertain significance. Last evaluated: 2020-10-07. Review status: criteria provided, single submitter. Criteria: GeneDx Variant Classification Process June 2021. Collection method: clinical testing. Allele origin: germline. Affected: yes.
Comment: Not observed in large population cohorts (Lek 2016); In silico analysis supports that this missense variant does not alter protein structure/function; Has not been previously published as pathogenic or benign to our knowledge